The following is an entry in ClinVar:

NM_001367949.2(FAT3):c.9222T>C (p.Ser3074=)

Gene: FAT3 (FAT atypical cadherin 3; plus strand). Cytogenetic location: 11q14.3.
Variant type: single nucleotide variant.
Coding change: c.9222T>C on transcript NM_001367949.2 (MANE Select); coding-DNA position 9222, T replaced by C.
Protein change: p.Ser3074=; no amino-acid change (serine 3074 retained).
Molecular consequence: synonymous variant.
Genome position (GRCh38, 1-based): chr11:92,806,490, T>C. VCF-style: chr11-92806490-T-C. GRCh37 (hg19) VCF-style: chr11-92539656-T-C.
Other names: c.9222T>C, p.Ser3074= (NM_001008781.3).
Identifiers: ClinVar variation 3056140 (VCV003056140.2), dbSNP rs78791720, ClinGen allele CA6227804.

ClinVar aggregate classification (germline): Benign (0 of 4 stars; one submission).

Conditions:
FAT3-related disorder. Also called: FAT3-related condition.

Allele frequency attached by ClinVar (database versions not stated): gnomAD exomes 0.00204; ExAC 0.01252; ESP Exome Variant Server 0.01852; gnomAD 0.02029; TOPMed 0.02289; 1000 Genomes Project 0.02376; 1000 Genomes Project 30x 0.02561.
gnomAD v4.1: 6,096 of 1,550,662 alleles (0.39%); highest among the groups gnomAD compares: African/African-American, 7.3%; 212 homozygotes.

Submission:

PreventionGenetics, part of Exact Sciences
Classification: Benign for FAT3-related condition. Last evaluated: 2020-01-28. Review status: no assertion criteria provided. Collection method: clinical testing. Allele origin: germline.
Comment: This variant is classified as benign based on ACMG/AMP sequence variant interpretation guidelines (Richards et al. 2015 PMID: 25741868, with internal and published modifications).